The following is an entry in ClinVar:

NC_000010.10:g.(?_55755389)_(55755545_?)dup

Gene: PCDH15 (protocadherin related 15; minus strand). Cytogenetic location: 10q21.1.
Variant type: Duplication.
Identifiers: ClinVar variation 1446368 (VCV001446368.4).

ClinVar aggregate classification (germline): Uncertain significance (1 of 4 stars; one submission).

Submission:

Labcorp Genetics (formerly Invitae), Labcorp
Classification: Uncertain significance. Last evaluated: 2022-06-14. Review status: criteria provided, single submitter. Criteria: Invitae Variant Classification Sherloc (09022015). Collection method: clinical testing. Allele origin: germline.
Comment: This variant results in a copy number gain of the genomic region encompassing exon(s) 21 of the PCDH15 gene. While the exact position of this variant cannot be determined from the data, sub-genic copy number gains are generally in tandem (PMID: 25640679). This variant is predicted to be in-frame, and likely preserves the integrity of the reading frame. This variant has not been reported in the literature in individuals affected with PCDH15-related conditions. Experimental studies and prediction algorithms are not available or were not evaluated, and the functional significance of this variant is currently unknown. In summary, the available evidence is currently insufficient to determine the role of this variant in disease. Therefore, it has been classified as a Variant of Uncertain Significance.

Literature cited by the submitters: PubMed 25640679.